The following is an entry in ClinVar:

ClinVar aggregate classification (germline): Likely benign (1 of 4 stars; one submission).

Conditions:
Lynch syndrome. Identifiers: Orphanet 144, MedGen C4552100, MONDO:0005835. Disease mechanism: loss of function.

Submission:

All of Us Research Program, National Institutes of Health
Classification: Likely benign for Lynch syndrome. Last evaluated: 2023-04-28. Review status: criteria provided, single submitter. Criteria: ACMG Guidelines, 2015. Collection method: clinical testing. Allele origin: germline. Inheritance: Autosomal dominant inheritance. Observed: 1 variant allele, 1 heterozygote.
Comment: This study involves interpretation of variants in research participants for the purpose of population health screening. Participant phenotype was not available at the time of variant classification. Additional details can be found in publication PMID: 35346344, PMCID: PMC8962531

NM_000535.7(PMS2):c.1497T>C (p.Thr499=)

Gene: PMS2 (PMS1 homolog 2, mismatch repair system component; minus strand). Cytogenetic location: 7p22.1.
Variant type: single nucleotide variant.
Coding change: c.1497T>C on transcript NM_000535.7 (MANE Select); coding-DNA position 1497, T replaced by C.
Protein change: p.Thr499=; no amino-acid change (threonine 499 retained).
Molecular consequence: synonymous variant. On other transcripts: non-coding transcript variant (1), intron variant (1).
Genome position (GRCh38, 1-based): chr7:5,987,268, A>G on the plus strand (T>C on the coding strand, the complement: PMS2 is on the minus strand). VCF-style: chr7-5987268-A-G. GRCh37 (hg19) VCF-style: chr7-6026899-A-G.
Other names: c.1092T>C, p.Thr364= (NM_001018040.1, NM_001322003.2, NM_001322004.2 and 17 more transcripts); c.1341T>C, p.Thr447= (NM_001322006.2, NM_001406870.1); c.1179T>C, p.Thr393= (NM_001322007.2, NM_001322008.2, NM_001406876.1 and 2 more transcripts); c.936T>C, p.Thr312= (NM_001322010.2, NM_001406906.1, NM_001406907.1); c.564T>C, p.Thr188= (NM_001322011.2, NM_001322012.2); c.924T>C, p.Thr308= (NM_001322013.2, NM_001406909.1); c.1497T>C, p.Thr499= (NM_001322014.2, NM_001406871.1, NM_001406872.1); c.1188T>C, p.Thr396= (NM_001322015.2, NM_001406875.1, NM_001406877.1 and 5 more transcripts); and 13 more.
Identifiers: ClinVar variation 3070568 (VCV003070568.1), dbSNP rs2128729356, ClinGen allele CA453747812.
Genomic context (GRCh38, chr7:5,987,268, plus strand): 5'-ATACTCGCTGCTGCAGTGACTGCCCGTGTCTGGGATGCTGAACCCCTCAGAATCCACGGA[A>G]GTGCTGCCGTGCCCCGAGTCCTTCTCCACCTCCGCTCTGTCCGTAGGGTCACTGGGTCCG-3'
Protein context (NP_000526.2, residues 489-509): EVEKDSGHGS[Thr499=]SVDSEGFSIP